The following is an entry in ClinVar:

NM_001199397.3(NEK1):c.1927C>T (p.Arg643Cys)

Gene: NEK1 (NIMA related kinase 1; minus strand). Cytogenetic location: 4q33.
Variant type: single nucleotide variant.
Coding change: c.1927C>T on transcript NM_001199397.3 (MANE Select); coding-DNA position 1927, C replaced by T.
Protein change: p.Arg643Cys; replaces arginine 643 with cysteine.
Molecular consequence: missense variant. On other transcripts: non-coding transcript variant (1), intron variant (1).
Genome position (GRCh38, 1-based): chr4:169,507,117, G>A on the plus strand (C>T on the coding strand, the complement: NEK1 is on the minus strand). VCF-style: chr4-169507117-G-A. GRCh37 (hg19) VCF-style: chr4-170428268-G-A.
Other names: c.1795C>T, p.Arg599Cys (NM_001199398.3); c.1636C>T, p.Arg546Cys (NM_001199399.3); c.1711C>T, p.Arg571Cys (NM_001199400.3); c.1927C>T, p.Arg643Cys (NM_001374418.1); c.1843C>T, p.Arg615Cys (NM_001374419.1, NM_012224.4); c.1792C>T, p.Arg598Cys (NM_001374420.1); c.1701+598C>T (NM_001374421.1); short protein forms R546C, R571C, R598C, R599C, R615C, R643C.
Identifiers: ClinVar variation 3357258 (VCV003357258.2).
Genomic context (GRCh38, chr4:169,507,117, plus strand): 5'-TTTCTCTCTCATAAGCCTCCTTTCTCTTTCGTTCTAGTTGTTCTTTTAGTACAGCAGCAC[G>A]TGCATTTGCATGGGCCTAAAAATAAAAACAATTAACAAAATGAGTTACCAGAAAGAAGGG-3'
Protein context (NP_001186326.1, residues 633-653): IESLKAHANA[Arg643Cys]AAVLKEQLER

ClinVar aggregate classification (germline): Uncertain significance. Review status: criteria provided, single submitter (1 of 4 stars). 2 submissions from 2 submitters: Uncertain significance (1). 1 of the submissions does not count toward it. Last evaluated 2026-04-10.

Conditions:
Amyotrophic lateral sclerosis (ALS). Also called: Charcot disease; Lou Gehrig disease. Identifiers: Orphanet 803, MedGen C0002736, MONDO:0004976, HP:0007354.
NEK1-related disorder. Also called: NEK1-related condition.

gnomAD v4.1: 8 of 1,595,360 alleles (0.0005%); highest among the groups gnomAD compares: African/African-American, 0.0027%; no homozygotes.

Submissions (2):

Department of Neurology, Brain Research Institute, Niigata University
Classification: Uncertain significance for Amyotrophic lateral sclerosis. Last evaluated: 2026-04-10. Review status: criteria provided, single submitter. Criteria: ACMG Guidelines, 2015. Collection method: research. Allele origin: unknown. Affected: yes.

PreventionGenetics, part of Exact Sciences
Classification: Uncertain significance for NEK1-related condition. Last evaluated: 2024-03-05. Review status: no assertion criteria provided. Collection method: clinical testing. Allele origin: germline. Not counted in ClinVar's aggregate classification.
Comment: The NEK1 c.1843C>T variant is predicted to result in the amino acid substitution p.Arg615Cys. To our knowledge, this variant has not been reported in the literature. This variant is reported in 0.0049% of alleles in individuals of European (Finnish) descent in gnomAD. At this time, the clinical significance of this variant is uncertain due to the absence of conclusive functional and genetic evidence.